The following is an entry in ClinVar:

NM_178822.5(IGSF10):c.6977T>C (p.Val2326Ala)

Gene: IGSF10 (immunoglobulin superfamily member 10; minus strand). Cytogenetic location: 3q25.1.
Variant type: single nucleotide variant.
Coding change: c.6977T>C on transcript NM_178822.5 (MANE Select); coding-DNA position 6977, T replaced by C.
Protein change: p.Val2326Ala; replaces valine 2326 with alanine.
Molecular consequence: missense variant.
Genome position (GRCh38, 1-based): chr3:151,437,584, A>G on the plus strand (T>C on the coding strand, the complement: IGSF10 is on the minus strand). VCF-style: chr3-151437584-A-G. GRCh37 (hg19) VCF-style: chr3-151155372-A-G.
Other names: c.914T>C, p.Val305Ala (NM_001178145.3, NM_001178146.3); c.6977T>C, p.Val2326Ala (NM_001385060.1, NM_001385061.1, NM_001385062.1 and 1 more transcripts); short protein forms V2326A, V305A.
Identifiers: ClinVar variation 1355362 (VCV001355362.6), dbSNP rs1246907997, ClinGen allele CA354988804.

ClinVar aggregate classification (germline): Uncertain significance (1 of 4 stars; one submission).

Allele frequency attached by ClinVar (database versions not stated): gnomAD exomes below 0.00001.
gnomAD v4.1: 2 of 1,614,172 alleles (0.00012%); highest among the groups gnomAD compares: Admixed American, 0.0033%; no homozygotes.

Submission:

Labcorp Genetics (formerly Invitae), Labcorp
Classification: Uncertain significance. Last evaluated: 2021-07-31. Review status: criteria provided, single submitter. Criteria: Invitae Variant Classification Sherloc (09022015). Collection method: clinical testing. Allele origin: germline.
Comment: In summary, the available evidence is currently insufficient to determine the role of this variant in disease. Therefore, it has been classified as a Variant of Uncertain Significance. Algorithms developed to predict the effect of missense changes on protein structure and function are either unavailable or do not agree on the potential impact of this missense change (SIFT: "Deleterious"; PolyPhen-2: "Probably Damaging"; Align-GVGD: "Class C0"). This variant has not been reported in the literature in individuals affected with IGSF10-related conditions. This variant is not present in population databases (ExAC no frequency). This sequence change replaces valine with alanine at codon 2326 of the IGSF10 protein (p.Val2326Ala). The valine residue is highly conserved and there is a small physicochemical difference between valine and alanine.